The following is an entry in ClinVar:

ClinVar aggregate classification (germline): Uncertain significance (1 of 4 stars; one submission).

Conditions:
Ataxia-telangiectasia syndrome (AT). Also called: Ataxia-telangiectasia, complementation group D; AT, COMPLEMENTATION GROUP C; Ataxia-telangiectasia; Ataxia telangiectasia (A-T); LOUIS-BAR SYNDROME; Cerebello-oculocutaneous telangiectasia. Identifiers: Orphanet 100, MedGen C0004135, MONDO:0008840, OMIM 208900.

Submission:

Labcorp Genetics (formerly Invitae), Labcorp
Classification: Uncertain significance for Ataxia-telangiectasia syndrome. Last evaluated: 2026-01-06. Review status: criteria provided, single submitter. Criteria: Invitae Variant Classification Sherloc (09022015). Collection method: clinical testing. Allele origin: germline.
Comment: This sequence change replaces asparagine, which is neutral and polar, with isoleucine, which is neutral and non-polar, at codon 344 of the ATM protein (p.Asn344Ile). This variant is not present in population databases (gnomAD no frequency). This variant has not been reported in the literature in individuals affected with ATM-related conditions. Invitae Evidence Modeling of protein sequence and biophysical properties (such as structural, functional, and spatial information, amino acid conservation, physicochemical variation, residue mobility, and thermodynamic stability) indicates that this missense variant is not expected to disrupt ATM protein function with a negative predictive value of 95%. In summary, the available evidence is currently insufficient to determine the role of this variant in disease. Therefore, it has been classified as a Variant of Uncertain Significance.

NM_000051.4(ATM):c.1031A>T (p.Asn344Ile)

Gene: ATM (ATM serine/threonine kinase; plus strand). Cytogenetic location: 11q22.3.
Variant type: single nucleotide variant.
Coding change: c.1031A>T on transcript NM_000051.4 (MANE Select); coding-DNA position 1031, A replaced by T.
Protein change: p.Asn344Ile; replaces asparagine 344 with isoleucine.
Molecular consequence: missense variant.
Genome position (GRCh38, 1-based): chr11:108,247,093, A>T. VCF-style: chr11-108247093-A-T. GRCh37 (hg19) VCF-style: chr11-108117820-A-T.
Other names: c.1031A>T, p.Asn344Ile (NM_001351834.2); short protein forms N344I.
Identifiers: ClinVar variation 4747168 (VCV004747168.1).